The following is an entry in ClinVar:

ClinVar aggregate classification (germline): Uncertain significance (1 of 4 stars; one submission).

Submission:

Labcorp Genetics (formerly Invitae), Labcorp
Classification: Uncertain significance. Last evaluated: 2025-11-25. Review status: criteria provided, single submitter. Criteria: Invitae Variant Classification Sherloc (09022015). Collection method: clinical testing. Allele origin: germline.
Comment: This sequence change replaces alanine, which is neutral and non-polar, with valine, which is neutral and non-polar, at codon 369 of the PRDM13 protein (p.Ala369Val). This variant is not present in population databases (gnomAD no frequency). This variant has not been reported in the literature in individuals affected with PRDM13-related conditions. An algorithm developed to predict the effect of missense changes on protein structure and function (PolyPhen-2) suggests that this variant is likely to be tolerated. In summary, the available evidence is currently insufficient to determine the role of this variant in disease. Therefore, it has been classified as a Variant of Uncertain Significance.

NM_021620.4(PRDM13):c.1106C>T (p.Ala369Val)

Genes: PRDM13 (PR/SET domain 13; plus strand), LOC129996881 (ATAC-STARR-seq lymphoblastoid silent region 17422; plus strand). Cytogenetic location: 6q16.2.
Variant type: single nucleotide variant.
Coding change: c.1106C>T on transcript NM_021620.4 (MANE Select); coding-DNA position 1106, C replaced by T.
Protein change: p.Ala369Val; replaces alanine 369 with valine.
Molecular consequence: missense variant.
Genome position (GRCh38, 1-based): chr6:99,613,741, C>T. VCF-style: chr6-99613741-C-T. GRCh37 (hg19) VCF-style: chr6-100061617-C-T.
Other names: short protein forms A369V.
Identifiers: ClinVar variation 4781547 (VCV004781547.1).